The following is an entry in ClinVar:

ClinVar aggregate classification (germline): Uncertain significance (1 of 4 stars; one submission).

Submission:

Labcorp Genetics (formerly Invitae), Labcorp
Classification: Uncertain significance. Last evaluated: 2024-12-17. Review status: criteria provided, single submitter. Criteria: Invitae Variant Classification Sherloc (09022015). Collection method: clinical testing. Allele origin: germline.
Comment: This sequence change replaces asparagine, which is neutral and polar, with aspartic acid, which is acidic and polar, at codon 1204 of the NEXMIF protein (p.Asn1204Asp). This variant is not present in population databases (gnomAD no frequency). This variant has not been reported in the literature in individuals affected with NEXMIF-related conditions. An algorithm developed to predict the effect of missense changes on protein structure and function (PolyPhen-2) suggests that this variant is likely to be tolerated. In summary, the available evidence is currently insufficient to determine the role of this variant in disease. Therefore, it has been classified as a Variant of Uncertain Significance.

NM_001008537.3(NEXMIF):c.3610A>G (p.Asn1204Asp)

Gene: NEXMIF (neurite extension and migration factor; minus strand). Cytogenetic location: Xq13.3.
Variant type: single nucleotide variant.
Coding change: c.3610A>G on transcript NM_001008537.3 (MANE Select); coding-DNA position 3610, A replaced by G.
Protein change: p.Asn1204Asp; replaces asparagine 1204 with aspartic acid.
Molecular consequence: missense variant.
Genome position (GRCh38, 1-based): chrX:74,740,947, T>C on the plus strand (A>G on the coding strand, the complement: NEXMIF is on the minus strand). VCF-style: chrX-74740947-T-C. GRCh37 (hg19) VCF-style: chrX-73960782-T-C.
Other names: short protein forms N1204D.
Identifiers: ClinVar variation 3696552 (VCV003696552.2).